The following is an entry in ClinVar:

NM_000368.5(TSC1):c.2520G>A (p.Ser840=)

Gene: TSC1 (TSC complex subunit 1; minus strand). Cytogenetic location: 9q34.13.
Variant type: single nucleotide variant.
Coding change: c.2520G>A on transcript NM_000368.5 (MANE Select); coding-DNA position 2520, G replaced by A.
Protein change: p.Ser840=; no amino-acid change (serine 840 retained).
Molecular consequence: synonymous variant.
Genome position (GRCh38, 1-based): chr9:132,900,820, C>T on the plus strand (G>A on the coding strand, the complement: TSC1 is on the minus strand). VCF-style: chr9-132900820-C-T. GRCh37 (hg19) VCF-style: chr9-135776207-C-T.
Other names: c.2517G>A, p.Ser839= (NM_001162426.2); c.2367G>A, p.Ser789= (NM_001162427.2); c.2157G>A, p.Ser719= (NM_001362177.2).
Identifiers: ClinVar variation 237710 (VCV000237710.21), dbSNP rs547498792, ClinGen allele CA033351.

ClinVar aggregate classification (germline): Benign/Likely benign. Review status: criteria provided, multiple submitters, no conflicts (2 of 4 stars). 6 submissions from 6 submitters: Benign (3); Likely benign (3). Last evaluated 2025-12-02.

Conditions:
Hereditary cancer-predisposing syndrome. Also called: Tumor predisposition; Hereditary Cancer Syndrome; Hereditary neoplastic syndrome; Neoplastic Syndromes, Hereditary. Identifiers: Orphanet 140162, MedGen C0027672, MeSH D009386, MONDO:0015356.
Tuberous sclerosis 1 (TSC1). Identifiers: Orphanet 805, MedGen C1854465, MONDO:0008612, OMIM 191100.
Tuberous sclerosis syndrome (TSC). Also called: Tuberous Sclerosis Complex; Tuberous sclerosis. Identifiers: Orphanet 805, MedGen C0041341, MONDO:0001734.

Allele frequency attached by ClinVar (database versions not stated): gnomAD 0.00001; TOPMed 0.00001.
gnomAD v4.1: 26 of 1,613,986 alleles (0.0016%); highest among the groups gnomAD compares: Middle Eastern, 0.016%; no homozygotes.

Submissions (6):

Labcorp Genetics (formerly Invitae), Labcorp
Classification: Benign for Tuberous sclerosis 1. Last evaluated: 2025-12-02. Review status: criteria provided, single submitter. Criteria: Invitae Variant Classification Sherloc (09022015). Collection method: clinical testing. Allele origin: germline.

Myriad Genetics, Inc.
Classification: Benign for Tuberous sclerosis 1. Last evaluated: 2025-04-25. Review status: criteria provided, single submitter. Criteria: Myriad Autosomal Dominant, Autosomal Recessive and X-Linked Classification Criteria (2023). Collection method: clinical testing. Allele origin: unknown.
Comment: This variant is considered benign. This variant is a silent/synonymous amino acid change and it is not expected to impact splicing.

All of Us Research Program, National Institutes of Health
Classification: Likely benign for Tuberous sclerosis syndrome. Last evaluated: 2023-11-20. Review status: criteria provided, single submitter. Criteria: ACMG Guidelines, 2015. Collection method: clinical testing. Allele origin: germline. Inheritance: Autosomal dominant inheritance. Observed: 3 variant alleles, 3 heterozygotes.
Comment: This study involves interpretation of variants in research participants for the purpose of population health screening. Participant phenotype was not available at the time of variant classification. Additional details can be found in publication PMID: 35346344, PMCID: PMC8962531

Genome-Nilou Lab
Classification: Benign for Tuberous sclerosis 1. Last evaluated: 2021-11-07. Review status: criteria provided, single submitter. Criteria: ACMG Guidelines, 2015. Collection method: clinical testing. Allele origin: germline. Affected: no.

GeneDx
Classification: Likely benign. Last evaluated: 2019-03-12. Review status: criteria provided, single submitter. Criteria: GeneDx Variant Classification Process June 2021. Collection method: clinical testing. Allele origin: germline. Affected: yes.

Ambry Genetics
Classification: Likely benign for Hereditary cancer-predisposing syndrome. Last evaluated: 2018-04-11. Review status: criteria provided, single submitter. Criteria: Ambry Variant Classification Scheme 2023. Collection method: clinical testing. Allele origin: germline.